The following is an entry in ClinVar:

ClinVar aggregate classification (germline): Uncertain significance (1 of 4 stars; one submission).

Conditions:
Acrocallosal syndrome (ACLS). Also called: HALLUX DUPLICATION, POSTAXIAL POLYDACTYLY, AND ABSENCE OF CORPUS CALLOSUM; Schinzel syndrome 1; Absence of corpus callosum with unusual facial appearance, mental deficiency, duplication of the halluces and polydactyly. Identifiers: Orphanet 36, MedGen C0796147, MONDO:0008708, OMIM 200990.

Submission:

Labcorp Genetics (formerly Invitae), Labcorp
Classification: Uncertain significance for Acrocallosal syndrome. Last evaluated: 2023-07-03. Review status: criteria provided, single submitter. Criteria: Invitae Variant Classification Sherloc (09022015). Collection method: clinical testing. Allele origin: germline.
Comment: This sequence change replaces arginine, which is basic and polar, with proline, which is neutral and non-polar, at codon 635 of the KIF7 protein (p.Arg635Pro). This variant is not present in population databases (gnomAD no frequency). This variant has not been reported in the literature in individuals affected with KIF7-related conditions. ClinVar contains an entry for this variant (Variation ID: 2111313). Advanced modeling of protein sequence and biophysical properties (such as structural, functional, and spatial information, amino acid conservation, physicochemical variation, residue mobility, and thermodynamic stability) performed at Invitae indicates that this missense variant is not expected to disrupt KIF7 protein function. In summary, the available evidence is currently insufficient to determine the role of this variant in disease. Therefore, it has been classified as a Variant of Uncertain Significance.

NM_198525.3(KIF7):c.1904G>C (p.Arg635Pro)

Gene: KIF7 (kinesin family member 7; minus strand). Cytogenetic location: 15q26.1.
Variant type: single nucleotide variant.
Coding change: c.1904G>C on transcript NM_198525.3 (MANE Select); coding-DNA position 1904, G replaced by C.
Protein change: p.Arg635Pro; replaces arginine 635 with proline.
Molecular consequence: missense variant.
Genome position (GRCh38, 1-based): chr15:89,645,911, C>G on the plus strand (G>C on the coding strand, the complement: KIF7 is on the minus strand). VCF-style: chr15-89645911-C-G. GRCh37 (hg19) VCF-style: chr15-90189142-C-G.
Other names: short protein forms R635P.
Identifiers: ClinVar variation 2111313 (VCV002111313.4), dbSNP rs747191989, ClinGen allele CA274581359.